The following is an entry in ClinVar:

NM_000384.3(APOB):c.1880T>C (p.Val627Ala)

Gene: APOB (apolipoprotein B; minus strand). Cytogenetic location: 2p24.1.
Variant type: single nucleotide variant.
Coding change: c.1880T>C on transcript NM_000384.3 (MANE Select); coding-DNA position 1880, T replaced by C.
Protein change: p.Val627Ala; replaces valine 627 with alanine.
Molecular consequence: missense variant.
Genome position (GRCh38, 1-based): chr2:21,028,015, A>G on the plus strand (T>C on the coding strand, the complement: APOB is on the minus strand). VCF-style: chr2-21028015-A-G. GRCh37 (hg19) VCF-style: chr2-21250887-A-G.
Other names: short protein forms V627A.
Identifiers: ClinVar variation 630648 (VCV000630648.10), dbSNP rs1295444626, ClinGen allele CA346013834.
Genomic context (GRCh38, chr2:21,028,015, plus strand): 5'-GATGGAAGAGAAACAGATTTGTAGAGTTGATAGTTCCGAGAGAATTTTCTGAAGTCCATG[A>G]CAGTTGGAAGTTGAGATTCTTTCAGAGCTTCTTTCACTAACTTTTTCAGACTAGATAAGA-3'
Protein context (NP_000375.3, residues 617-637): EALKESQLPT[Val627Ala]MDFRKFSRNY

ClinVar aggregate classification (germline): Conflicting classifications of pathogenicity. Review status: criteria provided, conflicting classifications (1 of 4 stars). 2 submissions from 2 submitters: Uncertain significance (1); Likely benign (1). Last evaluated 2025-05-08.

Conditions:
Cardiovascular phenotype. Identifiers: MedGen CN230736.
Hypercholesterolemia, autosomal dominant, type B (FHCL2). Also called: APOB-Related Familial Hypercholesterolemia, Autosomal Dominant; Hyperlipoproteinemia Type IIb; Familial Hypercholesterolemia Type B; APOLIPOPROTEIN B-100, FAMILIAL DEFECTIVE; APOLIPOPROTEIN B-100, FAMILIAL LIGAND-DEFECTIVE; Familial hypercholesterolemia 2. Identifiers: MedGen C1704417, MONDO:0007751, OMIM 144010.
Familial hypobetalipoproteinemia 1. Also called: APOB-Related Familial Hypobetalipoproteinemia; Hypobetalipoproteinemia, normotriglyceridemic; Acanthocytosis with hypobetalipoproteinemia. Identifiers: MedGen C4551990, MONDO:0014252, OMIM 615558.

Allele frequency attached by ClinVar (database versions not stated): gnomAD exomes below 0.00001 and 0.00001.

Submissions (2):

Ambry Genetics
Classification: Uncertain significance for Cardiovascular phenotype. Last evaluated: 2025-05-08. Review status: criteria provided, single submitter. Criteria: Ambry Variant Classification Scheme 2023. Collection method: clinical testing. Allele origin: germline.
Comment: The p.V627A variant (also known as c.1880T>C), located in coding exon 14 of the APOB gene, results from a T to C substitution at nucleotide position 1880. The valine at codon 627 is replaced by alanine, an amino acid with similar properties. This amino acid position is conserved. In addition, this alteration is predicted to be tolerated by in silico analysis. Since supporting evidence is limited at this time, the clinical significance of this alteration remains unclear.

Labcorp Genetics (formerly Invitae), Labcorp
Classification: Likely benign for Familial hypobetalipoproteinemia 1; Hypercholesterolemia, autosomal dominant, type B. Last evaluated: 2022-11-14. Review status: criteria provided, single submitter. Criteria: Invitae Variant Classification Sherloc (09022015). Collection method: clinical testing. Allele origin: germline.